The following is an entry in ClinVar:

NM_133433.4(NIPBL):c.-79-1564GC[6]

Gene: NIPBL (NIPBL cohesin loading factor; plus strand). Cytogenetic location: 5p13.2.
Variant type: Microsatellite.
Coding change: c.-79-1564GC[6] on transcript NM_133433.4 (MANE Select); six copies in a row of the 2-base unit GC starting at c.-79-1564; the reference has ten copies in a row; four copies, 8 bases deleted.
Molecular consequence: intron variant.
Genome position (GRCh38, 1-based): chr5:36,952,066-36,952,073, GCGCGCGC deleted; deleting any 8 consecutive bases within chr5:36,952,054-36,952,073 gives the same sequence; the position shown is the placement nearest the transcript's 3' end. VCF-style (leftmost placement, unchanged base first): chr5-36952053-TGCGCGCGC-T. GRCh37 (hg19) VCF-style: chr5-36952155-TGCGCGCGC-T.
Other names: c.-79-1564GC[6] (NM_015384.5).
Identifiers: ClinVar variation 1695124 (VCV001695124.31), dbSNP rs1554010277, ClinGen allele CA810290994.
Genomic context (GRCh38, chr5:36,952,053, plus strand): 5'-ATGCTTACTTTATAACTCTGTTAAACTGTGTGTGTGTGTGTGTGTGTGTGTGTGTGTGTG[TGCGCGCGC>T]GCGCGCGCGCGCATGTGTGTGTGTAGCAGTTTAATGTACCTTTGTGCAATAGGTCTTATA-3'

ClinVar aggregate classification (germline): Benign (1 of 4 stars; one submission).

Submission:

CeGaT Center for Human Genetics Tuebingen
Classification: Benign. Last evaluated: 2025-09-01. Review status: criteria provided, single submitter. Criteria: CeGaT Center For Human Genetics Tuebingen Variant Classification Criteria Version 2. Collection method: clinical testing. Allele origin: germline. Affected: yes. Observed: 4 variant alleles.
Comment: NIPBL: BS1, BS2